The following is an entry in ClinVar:

ClinVar aggregate classification (germline): Uncertain significance (1 of 4 stars; one submission).

Allele frequency attached by ClinVar (database versions not stated): gnomAD exomes 0.00002; ExAC 0.00004; gnomAD 0.00010; TOPMed 0.00015; 1000 Genomes Project 0.00020; ESP Exome Variant Server 0.00023; 1000 Genomes Project 30x 0.00031.
gnomAD v4.1: 44 of 1,614,162 alleles (0.0027%); highest among the groups gnomAD compares: African/African-American, 0.055%; no homozygotes.

Submission:

Labcorp Genetics (formerly Invitae), Labcorp
Classification: Uncertain significance. Last evaluated: 2022-03-13. Review status: criteria provided, single submitter. Criteria: Invitae Variant Classification Sherloc (09022015). Collection method: clinical testing. Allele origin: germline.
Comment: This sequence change replaces glutamine, which is neutral and polar, with proline, which is neutral and non-polar, at codon 192 of the DNASE2 protein (p.Gln192Pro). This variant is present in population databases (rs147237033, gnomAD 0.04%). This variant has not been reported in the literature in individuals affected with DNASE2-related conditions. Algorithms developed to predict the effect of missense changes on protein structure and function are either unavailable or do not agree on the potential impact of this missense change (SIFT: "Tolerated"; PolyPhen-2: "Possibly Damaging"; Align-GVGD: "Class C0"). Experimental studies have shown that this missense change affects DNASE2 function (PMID: 24242851). In summary, the available evidence is currently insufficient to determine the role of this variant in disease. Therefore, it has been classified as a Variant of Uncertain Significance.

Literature cited by the submitters: PubMed 24242851.

NM_001375.3(DNASE2):c.575A>C (p.Gln192Pro)

Gene: DNASE2 (deoxyribonuclease 2, lysosomal; minus strand). Cytogenetic location: 19p13.13.
Variant type: single nucleotide variant.
Coding change: c.575A>C on transcript NM_001375.3 (MANE Select); coding-DNA position 575, A replaced by C.
Protein change: p.Gln192Pro; replaces glutamine 192 with proline.
Molecular consequence: missense variant.
Genome position (GRCh38, 1-based): chr19:12,878,516, T>G on the plus strand (A>C on the coding strand, the complement: DNASE2 is on the minus strand). VCF-style: chr19-12878516-T-G. GRCh37 (hg19) VCF-style: chr19-12989330-T-G.
Other names: short protein forms Q192P.
Identifiers: ClinVar variation 2138241 (VCV002138241.1), dbSNP rs147237033, ClinGen allele CA9233744.